The following is an entry in ClinVar:

NM_001289808.2(CRYAB):c.325-2A>G

Gene: CRYAB (crystallin alpha B; minus strand). Cytogenetic location: 11q23.1.
Variant type: single nucleotide variant.
Coding change: c.325-2A>G on transcript NM_001289808.2 (MANE Select); the canonical splice acceptor site of the intron before coding-DNA position 325, A replaced by G.
Molecular consequence: splice acceptor variant.
Genome position (GRCh38, 1-based): chr11:111,908,969, T>C on the plus strand (A>G on the coding strand, the complement: CRYAB is on the minus strand). VCF-style: chr11-111908969-T-C. GRCh37 (hg19) VCF-style: chr11-111779693-T-C.
Other names: c.325-2A>G (NM_001368245.1, NM_001885.3, NM_001289807.1); c.124-2A>G (NM_001368246.1, NM_001330379.1).
Identifiers: ClinVar variation 44235 (VCV000044235.17), dbSNP rs202024436, ClinGen allele CA261517.
Genomic context (GRCh38, chr11:111,908,969, plus strand): 5'-ACATCAGCTGGGATCCGGTATTTCCTGTGGAACTCCCTGGAGATGAAACCATGTTCATCC[T>C]AACCCAAAAGAATGAGGAAAGAGGCAGAGAGATAAGAACAGGAACTATTATCACCTGCCC-3'

ClinVar aggregate classification (germline): Uncertain significance. Review status: criteria provided, multiple submitters, no conflicts (2 of 4 stars). 8 submissions from 8 submitters: Uncertain significance (7). 1 of the submissions does not count toward it. Last evaluated 2026-01-02.

Conditions:
Cardiovascular phenotype. Identifiers: MedGen CN230736.
Dilated cardiomyopathy 1II (CMD1II). Identifiers: Orphanet 154, MedGen C3554649, MONDO:0014073, OMIM 615184.
Cardiomyopathy (CMYO). Also called: Cardiomyopathies. Identifiers: Orphanet 167848, MedGen C0878544, MONDO:0004994, HP:0001638. Inheritance: Various modes of inheritance.

Allele frequency attached by ClinVar (database versions not stated): ExAC 0.00002; gnomAD 0.00002; TOPMed 0.00002; gnomAD exomes 0.00004.
gnomAD v4.1: 56 of 1,613,960 alleles (0.0035%); highest among the groups gnomAD compares: Admixed American, 0.005%; no homozygotes.

Submissions (9):

Labcorp Genetics (formerly Invitae), Labcorp
Classification: Uncertain significance for Dilated cardiomyopathy 1II. Last evaluated: 2026-01-02. Review status: criteria provided, single submitter. Criteria: Invitae Variant Classification Sherloc (09022015). Collection method: clinical testing. Allele origin: germline.
Comment: This sequence change affects an acceptor splice site in intron 3 of the CRYAB gene. While this variant is not anticipated to result in nonsense mediated decay, it likely alters RNA splicing and results in a disrupted protein product. This variant is present in population databases (rs202024436, gnomAD 0.006%). Disruption of this splice site has been observed in individual(s) with clinical features of CRYAB-related conditions (PMID: 33906374). ClinVar contains an entry for this variant (Variation ID: 44235). Variants that disrupt the consensus splice site are a relatively common cause of aberrant splicing (PMID: 17576681, 9536098). Algorithms developed to predict the effect of sequence changes on RNA splicing suggest that this variant may disrupt the consensus splice site. In summary, the available evidence is currently insufficient to determine the role of this variant in disease. Therefore, it has been classified as a Variant of Uncertain Significance.

Revvity Omics, Revvity
Classification: Uncertain significance. Last evaluated: 2025-06-13. Review status: criteria provided, single submitter. Criteria: ACMG Guidelines, 2015. Collection method: clinical testing. Allele origin: germline.

Women's Health and Genetics/Laboratory Corporation of America, LabCorp
Classification: Uncertain significance. Last evaluated: 2022-11-11. Review status: criteria provided, single submitter. Criteria: LabCorp Variant Classification Summary - May 2015. Collection method: clinical testing. Allele origin: germline.
Comment: Variant summary: CRYAB c.325-2A>G is located in a canonical splice-site of the last intron and is predicted to affect mRNA splicing possibly resulting in a significantly altered protein due to either exon skipping, shortening, or inclusion of intronic material. Several computational tools predict a significant impact on normal splicing: Four predict the variant abolishes a 3' acceptor site. However, these predictions have yet to be confirmed by functional studies. While the variant is predicted to impact splicing, it is not expected to undergo nonsense mediated decay, therefore the impact of this variant on protein function is unclear. The variant allele was found at a frequency of 3.6e-05 in 250272 control chromosomes. c.325-2A>G has been reported in the literature in individuals affected with Cardiomyopathy related phenotypes (Tester_2018 and Ware_2021) without strong evidence for causality. To our knowledge, no experimental evidence demonstrating an impact on protein function has been reported. Four clinical diagnostic laboratories have submitted clinical-significance assessments for this variant to ClinVar after 2014 without evidence for independent evaluation. Three submitters classified as VUS while one classified as likely pathogenic. Based on the evidence outlined above, the variant was classified as VUS.

Ambry Genetics
Classification: Uncertain significance for Cardiovascular phenotype. Last evaluated: 2022-09-13. Review status: criteria provided, single submitter. Criteria: Ambry Variant Classification Scheme 2023. Collection method: clinical testing. Allele origin: germline.
Comment: The c.325-2A>G intronic variant results from an A to G substitution two nucleotides upstream from coding exon 3 in the CRYAB gene. This variant has been detected in a victim of sudden infant death and in an individual with hypertrophic cardiomyopathy (Tester DJ et al. J Am Coll Cardiol, 2018 03;71:1217-1227; Ware SM et al. J Am Heart Assoc, 2021 05;10:e017731). This nucleotide position is highly conserved in available vertebrate species. In silico splice site analysis predicts that this alteration will weaken the native splice acceptor site and may result in the creation or strengthening of a novel splice acceptor site. Alterations that disrupt the canonical splice site are expected to cause aberrant splicing, resulting in an abnormal protein or a transcript that is subject to nonsense-mediated mRNA decay. However, this alteration occurs at the 3' terminus of the CRYAB gene and is not expected to trigger nonsense-mediated mRNA decay. The exact functional effect of this alteration is unknown. In addition, loss of function of CRYAB has not been established as a mechanism of disease. Since supporting evidence is limited at this time, the clinical significance of this alteration remains unclear.

AiLife Diagnostics
Classification: Uncertain significance. Last evaluated: 2021-05-28. Review status: criteria provided, single submitter. Criteria: ACMG Guidelines, 2015. Collection method: clinical testing. Allele origin: germline. Affected: yes. Observed: 1 variant allele.

GeneDx
Classification: Uncertain significance. Last evaluated: 2020-11-27. Review status: criteria provided, single submitter. Criteria: GeneDx Variant Classification Process June 2021. Collection method: clinical testing. Allele origin: germline. Affected: yes.
Comment: Reported in one case of sudden infant death syndrome (Tester et al., 2018); Canonical splice site variant with an unclear effect on protein function; This variant is associated with the following publications: (PMID: 29544605)

Blueprint Genetics
Classification: Uncertain significance. Last evaluated: 2020-11-04. Review status: criteria provided, single submitter. Criteria: ACMG Guidelines, 2015. Collection method: clinical testing. Allele origin: germline.

Dr. Peter K. Rogan Lab, Western University
No classification provided (evidence only). Condition: Sarcoma. Review status: no classification provided. Collection method: in vitro. Allele origin: not applicable. Functional consequence: retained intron. Not counted in ClinVar's aggregate classification.

Laboratory for Molecular Medicine, Mass General Brigham Personalized Medicine
Classification: Likely pathogenic for Cardiomyopathy. Last evaluated: 2012-02-13. Review status: flagged submission. Criteria: LMM Criteria. Collection method: clinical testing. Allele origin: germline. Observed: 2 variant alleles. Not counted in ClinVar's aggregate classification.
Comment: The 325-2A>G variant (CRYAB) has not been reported in the literature and has not been previously detected by our laboratory. This variant is predicted to cause abnormal splicing because the nucleotide substitution occurs in the highly conse rved splice consensus sequence. In summary, this variant is likely to be pathoge nic.
ClinVar note: Reason: Outlier claim with insufficient supporting evidence

Literature cited by the submitters: PubMed 33906374 (cited by 3 submitters); PubMed 17576681 (cited by Labcorp Genetics (formerly Invitae), Labcorp); PubMed 9536098 (cited by Labcorp Genetics (formerly Invitae), Labcorp); PubMed 29544605 (cited by 3 submitters).